The following is an entry in ClinVar:

ClinVar aggregate classification (germline): Uncertain significance (1 of 4 stars; one submission).

Conditions:
Cardiac arrhythmia. Also called: Cardiac rhythm disease; Arrhythmia. Identifiers: MedGen C0003811, MONDO:0007263, HP:0011675.

Allele frequency attached by ClinVar (database versions not stated): gnomAD exomes below 0.00001.
gnomAD v4.1: 1 of 1,543,402 alleles (0.000065%); highest among the groups gnomAD compares: South Asian, 0.0012%; no homozygotes.

Submission:

Color Diagnostics, LLC DBA Color Health
Classification: Uncertain significance for Cardiac arrhythmia. Last evaluated: 2024-03-06. Review status: criteria provided, single submitter. Criteria: ACMG Guidelines, 2015. Collection method: clinical testing. Allele origin: germline.
Comment: This missense variant replaces glutamine with histidine at codon 1046 of the KCNH2 protein. Computational prediction tool suggests that this variant may have deleterious impact on protein structure and function (internally defined REVEL score threshold >=0.7, PMID: 27666373). Splice site prediction tools suggest that this variant may not impact RNA splicing. To our knowledge, functional studies have not been performed for this variant. This variant has not been reported in individuals affected with cardiovascular disorders in the literature. This variant has not been identified in the general population by the Genome Aggregation Database (gnomAD). The available evidence is insufficient to determine the role of this variant in disease conclusively. Therefore, this variant is classified as a Variant of Uncertain Significance.

NM_000238.4(KCNH2):c.3138G>T (p.Gln1046His)

Gene: KCNH2 (potassium voltage-gated channel subfamily H member 2; minus strand). Cytogenetic location: 7q36.1.
Variant type: single nucleotide variant.
Coding change: c.3138G>T on transcript NM_000238.4 (MANE Select); coding-DNA position 3138, G replaced by T.
Protein change: p.Gln1046His; replaces glutamine 1046 with histidine.
Molecular consequence: missense variant.
Genome position (GRCh38, 1-based): chr7:150,947,342, C>A on the plus strand (G>T on the coding strand, the complement: KCNH2 is on the minus strand). VCF-style: chr7-150947342-C-A. GRCh37 (hg19) VCF-style: chr7-150644430-C-A.
Other names: c.2118G>T, p.Gln706His (NM_172057.3); short protein forms Q706H, Q1046H.
Identifiers: ClinVar variation 926330 (VCV000926330.6), dbSNP rs1367829679, ClinGen allele CA369852516.
Genomic context (GRCh38, chr7:150,947,342, plus strand): 5'-ACCAGACTCCAGGGCGTGCCCCCCCACCCCACCTGCACTCCCTCACCTGTTGAGCTGGCG[C>A]TGGAGGGCATCCAGCCTGCTCTCCACGTCGCCCCGGGGCCGCCGACCCGGGCTGGAGAGG-3'
Protein context (NP_000229.1, residues 1036-1056): GDVESRLDAL[Gln1046His]RQLNRLETRL